The following is an entry in ClinVar:

ClinVar aggregate classification (germline): Uncertain significance (1 of 4 stars; one submission).

Conditions:
Hereditary cancer-predisposing syndrome. Also called: Neoplastic Syndromes, Hereditary; Tumor predisposition; Hereditary neoplastic syndrome; Hereditary Cancer Syndrome. Identifiers: Orphanet 140162, MedGen C0027672, MeSH D009386, MONDO:0015356.

gnomAD v4.1: 1 of 1,614,196 alleles (0.000062%); highest among the groups gnomAD compares: South Asian, 0.0011%; no homozygotes.

Submission:

Ambry Genetics
Classification: Uncertain significance for Hereditary cancer-predisposing syndrome. Last evaluated: 2026-08-15. Review status: criteria provided, single submitter. Criteria: Ambry Variant Classification Scheme 2023. Collection method: clinical testing. Allele origin: germline.
Comment: The p.S183G variant (also known as c.547A>G), located in coding exon 4 of the PALB2 gene, results from an A to G substitution at nucleotide position 547. The serine at codon 183 is replaced by glycine, an amino acid with similar properties. This amino acid position is conserved. In addition, this alteration is predicted to be tolerated by in silico analysis. Based on the available evidence, the clinical significance of this variant remains unclear.

NM_024675.4(PALB2):c.547A>G (p.Ser183Gly)

Gene: PALB2 (partner and localizer of BRCA2; minus strand). Cytogenetic location: 16p12.2.
Variant type: single nucleotide variant.
Coding change: c.547A>G on transcript NM_024675.4 (MANE Select); coding-DNA position 547, A replaced by G.
Protein change: p.Ser183Gly; replaces serine 183 with glycine.
Molecular consequence: missense variant. On other transcripts: 5 prime UTR variant (8), intron variant (3).
Genome position (GRCh38, 1-based): chr16:23,635,999, T>C on the plus strand (A>G on the coding strand, the complement: PALB2 is on the minus strand). VCF-style: chr16-23635999-T-C. GRCh37 (hg19) VCF-style: chr16-23647320-T-C.
Other names: c.487A>G, p.Ser163Gly (NM_001407296.1); c.547A>G, p.Ser183Gly (NM_001407297.1, NM_001407298.1, NM_001407299.1 and 3 more transcripts); c.-339A>G (NM_001407304.1, NM_001407305.1, NM_001407306.1 and 5 more transcripts); c.48+5111A>G (NM_001407314.1); c.-105+5111A>G (NM_001407313.1, NM_001407312.1); short protein forms S163G, S183G.
Identifiers: ClinVar variation 5026190 (VCV005026190.1).